The following is an entry in ClinVar:

NM_030962.4(SBF2):c.4465G>A (p.Glu1489Lys)

Genes: SBF2 (SET binding factor 2; minus strand), SBF2-AS1 (SBF2 antisense RNA 1; plus strand). Cytogenetic location: 11p15.4.
Variant type: single nucleotide variant.
Coding change: c.4465G>A on transcript NM_030962.4 (MANE Select); coding-DNA position 4465, G replaced by A.
Protein change: p.Glu1489Lys; replaces glutamic acid 1489 with lysine.
Molecular consequence: missense variant.
Genome position (GRCh38, 1-based): chr11:9,795,936, C>T on the plus strand (G>A on the coding strand, the complement: SBF2 is on the minus strand). VCF-style: chr11-9795936-C-T. GRCh37 (hg19) VCF-style: chr11-9817483-C-T.
Other names: c.4561G>A, p.Glu1521Lys (NM_001386339.1); c.4336G>A, p.Glu1446Lys (NM_001386342.1); short protein forms E1489K, E1446K, E1521K.
Identifiers: ClinVar variation 220381 (VCV000220381.7), dbSNP rs864622502, ClinGen allele CA348591.

ClinVar aggregate classification (germline): Uncertain significance (1 of 4 stars; one submission).

Conditions:
Charcot-Marie-Tooth disease type 4. Also called: Charcot-Marie-Tooth disease, type IV; Charcot-Marie-Tooth, Type 4. Identifiers: Orphanet 64749, MedGen C4082197, MONDO:0018995.

Submission:

Labcorp Genetics (formerly Invitae), Labcorp
Classification: Uncertain significance for Charcot-Marie-Tooth disease type 4. Last evaluated: 2015-09-26. Review status: criteria provided, single submitter. Criteria: Invitae Variant Classification Sherloc (09022015). Collection method: clinical testing. Allele origin: germline.
Comment: In summary, this is a novel missense change with uncertain impact on protein function. It has been classified as a Variant of Uncertain Significance. Algorithms developed to predict the effect of missense changes on protein structure and function do not agree on the potential impact of this missense change (SIFT: "Tolerated"; PolyPhen-2: "Probably Damaging"; Align-GVGD: "Class C0"). This variant is not present in population databases (ExAC no frequency) and has not been reported in the literature. This sequence change replaces glutamic acid with lysine at codon 1489 of the SBF2 protein (p.Glu1489Lys). The glutamic acid residue is moderately conserved and there is a small physicochemical difference between glutamic acid and lysine.